The following is an entry in ClinVar:

NM_000208.4(INSR):c.989C>A (p.Pro330Gln)

Gene: INSR (insulin receptor; minus strand). Cytogenetic location: 19p13.2.
Variant type: single nucleotide variant.
Coding change: c.989C>A on transcript NM_000208.4 (MANE Select); coding-DNA position 989, C replaced by A.
Protein change: p.Pro330Gln; replaces proline 330 with glutamine.
Molecular consequence: missense variant.
Genome position (GRCh38, 1-based): chr19:7,174,717, G>T on the plus strand (C>A on the coding strand, the complement: INSR is on the minus strand). VCF-style: chr19-7174717-G-T. GRCh37 (hg19) VCF-style: chr19-7174728-G-T.
Other names: c.989C>A, p.Pro330Gln (NM_001079817.3); short protein forms P330Q.
Identifiers: ClinVar variation 1718575 (VCV001718575.5), dbSNP rs2512374384, ClinGen allele CA403668155.

ClinVar aggregate classification (germline): Uncertain significance (1 of 4 stars; one submission).

Submission:

Labcorp Genetics (formerly Invitae), Labcorp
Classification: Uncertain significance. Last evaluated: 2023-12-07. Review status: criteria provided, single submitter. Criteria: Invitae Variant Classification Sherloc (09022015). Collection method: clinical testing. Allele origin: germline.
Comment: This sequence change replaces proline, which is neutral and non-polar, with glutamine, which is neutral and polar, at codon 330 of the INSR protein (p.Pro330Gln). This variant is not present in population databases (gnomAD no frequency). This variant has not been reported in the literature in individuals affected with INSR-related conditions. ClinVar contains an entry for this variant (Variation ID: 1718575). Advanced modeling of protein sequence and biophysical properties (such as structural, functional, and spatial information, amino acid conservation, physicochemical variation, residue mobility, and thermodynamic stability) performed at Invitae indicates that this missense variant is not expected to disrupt INSR protein function with a negative predictive value of 80%. In summary, the available evidence is currently insufficient to determine the role of this variant in disease. Therefore, it has been classified as a Variant of Uncertain Significance.